The following is an entry in ClinVar:

NM_000170.3(GLDC):c.2410C>T (p.Pro804Ser)

Gene: GLDC (glycine decarboxylase; minus strand). Cytogenetic location: 9p24.1.
Variant type: single nucleotide variant.
Coding change: c.2410C>T on transcript NM_000170.3 (MANE Select); coding-DNA position 2410, C replaced by T.
Protein change: p.Pro804Ser; replaces proline 804 with serine.
Molecular consequence: missense variant.
Genome position (GRCh38, 1-based): chr9:6,553,415, G>A on the plus strand (C>T on the coding strand, the complement: GLDC is on the minus strand). VCF-style: chr9-6553415-G-A. GRCh37 (hg19) VCF-style: chr9-6553415-G-A.
Other names: c.2410C>T (NM_000170.2); short protein forms P804S.
Identifiers: ClinVar variation 1447577 (VCV001447577.3), dbSNP rs2129714808, ClinGen allele CA372878405.

ClinVar aggregate classification (germline): Uncertain significance. Review status: criteria provided, multiple submitters, no conflicts (2 of 4 stars). 2 submissions from 2 submitters: Uncertain significance (2). Last evaluated 2025-09-22.

Conditions:
Inborn genetic diseases. Identifiers: MedGen C0950123, MeSH D030342.
Glycine encephalopathy. Also called: Non-ketotic hyperglycinemia; Nonketotic hyperglycinemia. Identifiers: Orphanet 407, MedGen C0751748, MONDO:0011612, HP:0008288.

Allele frequency attached by ClinVar (database versions not stated): gnomAD exomes below 0.00001.
gnomAD v4.1: 1 of 1,613,888 alleles (0.000062%); highest among the groups gnomAD compares: Non-Finnish European, 0.000085%; no homozygotes.

Submissions (2):

Ambry Genetics
Classification: Uncertain significance for Inborn genetic diseases. Last evaluated: 2025-09-22. Review status: criteria provided, single submitter. Criteria: Ambry Variant Classification Scheme 2023. Collection method: clinical testing. Allele origin: germline.

Labcorp Genetics (formerly Invitae), Labcorp
Classification: Uncertain significance for Glycine encephalopathy. Last evaluated: 2022-01-14. Review status: criteria provided, single submitter. Criteria: Invitae Variant Classification Sherloc (09022015). Collection method: clinical testing. Allele origin: germline.
Comment: This sequence change replaces proline, which is neutral and non-polar, with serine, which is neutral and polar, at codon 804 of the GLDC protein (p.Pro804Ser). This variant is not present in population databases (gnomAD no frequency). This variant has not been reported in the literature in individuals affected with GLDC-related conditions. Advanced modeling of protein sequence and biophysical properties (such as structural, functional, and spatial information, amino acid conservation, physicochemical variation, residue mobility, and thermodynamic stability) performed at Invitae indicates that this missense variant is expected to disrupt GLDC protein function. In summary, the available evidence is currently insufficient to determine the role of this variant in disease. Therefore, it has been classified as a Variant of Uncertain Significance.